The following is an entry in ClinVar:

ClinVar aggregate classification (germline): Benign. Review status: criteria provided, multiple submitters, no conflicts (2 of 4 stars). 2 submissions from 2 submitters: Benign (2). Last evaluated 2018-01-13.

Conditions:
Amyotrophic lateral sclerosis type 9 (ALS9). Identifiers: Orphanet 803, MedGen C2678468, MONDO:0012753, OMIM 611895.

Allele frequency attached by ClinVar (database versions not stated): 1000 Genomes Project 0.00978; gnomAD 0.01793 and 0.01758; 1000 Genomes Project 30x 0.00984; TOPMed 0.01496.

Submissions (2):

Illumina Laboratory Services, Illumina
Classification: Benign for Amyotrophic lateral sclerosis type 9. Last evaluated: 2018-01-13. Review status: criteria provided, single submitter. Criteria: ICSL Variant Classification Criteria 13 December 2019. Collection method: clinical testing. Allele origin: germline.
Comment: This variant was observed in the ICSL laboratory as part of a predisposition screen in an ostensibly healthy population. It had not been previously curated by ICSL or reported in the Human Gene Mutation Database (HGMD: prior to June 1st, 2018), and was therefore a candidate for classification through an automated scoring system. Utilizing variant allele frequency, disease prevalence and penetrance estimates, and inheritance mode, an automated score was calculated to assess if this variant is too frequent to cause the disease. Based on the score and internal cut-off values, a variant classified as benign is not then subjected to further curation. The score for this variant resulted in a classification of benign for this disease.

Breakthrough Genomics
Classification: Benign. Review status: criteria provided, single submitter. Criteria: ACMG Guidelines, 2015. Collection method: not provided. Allele origin: germline. Inheritance: Unknown mechanism. Affected: yes.

NM_001145.4(ANG):c.-534C>T

Gene: ANG (angiogenin; plus strand). Cytogenetic location: 14q11.2.
Variant type: single nucleotide variant.
Coding change: c.-534C>T on transcript NM_001145.4; 534 bases upstream of the start codon, C replaced by T.
Molecular consequence: 5 prime UTR variant.
Genome position (GRCh38, 1-based): chr14:20,684,243, C>T. VCF-style: chr14-20684243-C-T. GRCh37 (hg19) VCF-style: chr14-21152402-C-T.
Identifiers: ClinVar variation 312761 (VCV000312761.8), dbSNP rs117787610, ClinGen allele CA10634692.
Genomic context (GRCh38, chr14:20,684,243, plus strand): 5'-CCAAAGAAAGCAGCAGCGAATAAGTACGTGGCAGATGGTGCTGTCGACCAGTGTCAAGAC[C>T]AAGTTTCATGGGTTCCTGGACGCTCAGCCAGGGGTAGTCTCTGAAGGGCCGCCTGGCAAT-3'